The following is an entry in ClinVar:

NM_001267550.2(TTN):c.100682C>G (p.Thr33561Arg)

Genes: TTN (titin; minus strand), TTN-AS1 (TTN antisense RNA 1; plus strand). Cytogenetic location: 2q31.2.
Variant type: single nucleotide variant.
Coding change: c.100682C>G on transcript NM_001267550.2 (MANE Select); coding-DNA position 100682, C replaced by G.
Protein change: p.Thr33561Arg; replaces threonine 33561 with arginine.
Molecular consequence: missense variant.
Genome position (GRCh38, 1-based): chr2:178,536,065, G>C on the plus strand (C>G on the coding strand, the complement: TTN is on the minus strand). VCF-style: chr2-178536065-G-C. GRCh37 (hg19) VCF-style: chr2-179400792-G-C.
Other names: c.95759C>G, p.Thr31920Arg (NM_001256850.1); c.73487C>G, p.Thr24496Arg (NM_003319.4); c.92978C>G, p.Thr30993Arg (NM_133378.4); c.73862C>G, p.Thr24621Arg (NM_133432.3); c.74063C>G, p.Thr24688Arg (NM_133437.4); short protein forms T24496R, T24621R, T24688R, T30993R, T31920R, T33561R.
Identifiers: ClinVar variation 3600952 (VCV003600952.1).

ClinVar aggregate classification (germline): Uncertain significance (1 of 4 stars; one submission).

Submission:

GeneDx
Classification: Uncertain significance. Last evaluated: 2024-07-25. Review status: criteria provided, single submitter. Criteria: GeneDx Variant Classification Process June 2021. Collection method: clinical testing. Allele origin: germline. Affected: yes.
Comment: Not observed at significant frequency in large population cohorts (gnomAD); Missense variant in a gene in which most reported pathogenic variants are truncating/loss of function; Has not been previously published as pathogenic or benign to our knowledge